The following is an entry in ClinVar:

NM_020800.3(IFT80):c.1022C>A (p.Ser341Tyr)

Genes: IFT80 (intraflagellar transport 80; minus strand), TRIM59-IFT80 (TRIM59-IFT80 readthrough (NMD candidate); minus strand). Cytogenetic location: 3q25.33.
Variant type: single nucleotide variant.
Coding change: c.1022C>A on transcript NM_020800.3 (MANE Select); coding-DNA position 1022, C replaced by A.
Protein change: p.Ser341Tyr; replaces serine 341 with tyrosine.
Molecular consequence: missense variant. On other transcripts: non-coding transcript variant (3).
Genome position (GRCh38, 1-based): chr3:160,307,717, G>T on the plus strand (C>A on the coding strand, the complement: IFT80 is on the minus strand). VCF-style: chr3-160307717-G-T. GRCh37 (hg19) VCF-style: chr3-160025505-G-T.
Other names: c.611C>A, p.Ser204Tyr (NM_001190241.2, NM_001190242.2); short protein forms S204Y, S341Y.
Identifiers: ClinVar variation 3382756 (VCV003382756.2).

ClinVar aggregate classification (germline): Uncertain significance (1 of 4 stars; one submission).

Conditions:
Asphyxiating thoracic dystrophy 2 (SRTD2). Also called: SHORT-RIB THORACIC DYSPLASIA 2 WITH POLYDACTYLY; SHORT-RIB THORACIC DYSPLASIA 2 WITHOUT POLYDACTYLY; SHORT-RIB THORACIC DYSPLASIA 2 WITH OR WITHOUT POLYDACTYLY. Identifiers: Orphanet 474, MedGen C1970005, MONDO:0012644, OMIM 611263.

Submission:

Juno Genomics, Hangzhou Juno Genomics, Inc
Classification: Uncertain significance for Asphyxiating thoracic dystrophy 2. Review status: criteria provided, single submitter. Criteria: ACMG Guidelines, 2015. Collection method: clinical testing. Allele origin: germline. Affected: yes.
Comment: Absent from controls (or at extremely low frequency if recessive) in Genome Aggregation Database, Exome Sequencing Project, 1000 Genomes Project, or Exome Aggregation Consortium.;Patient's phenotype or family history is highly specific for a disease with a single genetic etiology.